The following is an entry in ClinVar:

NM_004006.3(DMD):c.530+2T>A

Gene: DMD (dystrophin; minus strand). Cytogenetic location: Xp21.1.
Variant type: single nucleotide variant.
Coding change: c.530+2T>A on transcript NM_004006.3 (MANE Select); the canonical splice donor site of the intron after coding-DNA position 530, T replaced by A.
Molecular consequence: splice donor variant.
Genome position (GRCh38, 1-based): chrX:32,816,466, A>T on the plus strand (T>A on the coding strand, the complement: DMD is on the minus strand). VCF-style: chrX-32816466-A-T. GRCh37 (hg19) VCF-style: chrX-32834583-A-T.
Other names: c.506+2T>A (NM_000109.4); c.518+2T>A (NM_004009.3); c.161+2T>A (NM_004010.3).
Identifiers: ClinVar variation 3653053 (VCV003653053.2).

ClinVar aggregate classification (germline): Pathogenic (1 of 4 stars; one submission).

Conditions:
Duchenne muscular dystrophy (DMD). Also called: MUSCULAR DYSTROPHY, PSEUDOHYPERTROPHIC PROGRESSIVE, DUCHENNE TYPE; Duchenne Muscular Dystrophy (DMD). Identifiers: Orphanet 98896, MedGen C0013264, MONDO:0010679, OMIM 310200.

Submission:

Labcorp Genetics (formerly Invitae), Labcorp
Classification: Pathogenic for Duchenne muscular dystrophy. Last evaluated: 2025-01-31. Review status: criteria provided, single submitter. Criteria: Invitae Variant Classification Sherloc (09022015). Collection method: clinical testing. Allele origin: germline.
Comment: This sequence change affects a donor splice site in intron 6 of the DMD gene. It is expected to disrupt RNA splicing. Variants that disrupt the donor or acceptor splice site typically lead to a loss of protein function (PMID: 16199547), and loss-of-function variants in DMD are known to be pathogenic (PMID: 16770791, 25007885). This variant is not present in population databases (gnomAD no frequency). Disruption of this splice site has been observed in individual(s) with Duchenne muscular dystrophy (PMID: 30833962). In at least one individual the variant was observed to be de novo. Algorithms developed to predict the effect of sequence changes on RNA splicing suggest that this variant may disrupt the consensus splice site. For these reasons, this variant has been classified as Pathogenic.

Literature cited by the submitters: PubMed 16199547; PubMed 16770791; PubMed 25007885; PubMed 30833962.